The following is an entry in ClinVar:

ClinVar aggregate classification (germline): Uncertain significance (1 of 4 stars; one submission).

gnomAD v4.1: 1 of 1,544,156 alleles (0.000065%); highest among the groups gnomAD compares: African/African-American, 0.0014%; no homozygotes.

Submission:

GeneDx
Classification: Uncertain significance. Last evaluated: 2024-06-21. Review status: criteria provided, single submitter. Criteria: GeneDx Variant Classification Process June 2021. Collection method: clinical testing. Allele origin: germline. Affected: yes.
Comment: Not observed at significant frequency in large population cohorts (gnomAD); In silico analysis supports that this missense variant has a deleterious effect on protein structure/function; Has not been previously published as pathogenic or benign to our knowledge

NM_001277115.2(DNAH11):c.8525G>C (p.Arg2842Pro)

Gene: DNAH11 (dynein axonemal heavy chain 11; plus strand). Cytogenetic location: 7p15.3.
Variant type: single nucleotide variant.
Coding change: c.8525G>C on transcript NM_001277115.2 (MANE Select); coding-DNA position 8525, G replaced by C.
Protein change: p.Arg2842Pro; replaces arginine 2842 with proline.
Molecular consequence: missense variant.
Genome position (GRCh38, 1-based): chr7:21,748,594, G>C. VCF-style: chr7-21748594-G-C. GRCh37 (hg19) VCF-style: chr7-21788212-G-C.
Other names: short protein forms R2842P.
Identifiers: ClinVar variation 3391534 (VCV003391534.1).
Genomic context (GRCh38, chr7:21,748,594, plus strand): 5'-GGGGCATTTTCGATTTTGTGCCATAATGGGCGCTTCCTTTCCTCAGGTGTCGCATCAGCC[G>C]GATCTTACGAACCCCTCAGGGCTGTGCTCTCTTGGTTGGAGTTGGGGGCAGTGGCAAGCA-3'
Protein context (NP_001264044.1, residues 2832-2852): DAMQHVCRIS[Arg2842Pro]ILRTPQGCAL